The following is an entry in ClinVar:

ClinVar aggregate classification (germline): Uncertain significance. Review status: criteria provided, multiple submitters, no conflicts (2 of 4 stars). 2 submissions from 2 submitters: Uncertain significance (2). Last evaluated 2022-06-23.

Conditions:
Hereditary cancer-predisposing syndrome. Also called: Hereditary Cancer Syndrome; Hereditary neoplastic syndrome; Neoplastic Syndromes, Hereditary; Tumor predisposition. Identifiers: Orphanet 140162, MedGen C0027672, MeSH D009386, MONDO:0015356.

Submissions (2):

Labcorp Genetics (formerly Invitae), Labcorp
Classification: Uncertain significance. Last evaluated: 2022-06-23. Review status: criteria provided, single submitter. Criteria: Invitae Variant Classification Sherloc (09022015). Collection method: clinical testing. Allele origin: germline.
Comment: This sequence change replaces glutamine, which is neutral and polar, with arginine, which is basic and polar, at codon 148 of the MSH3 protein (p.Gln148Arg). This variant is not present in population databases (gnomAD no frequency). This variant has not been reported in the literature in individuals affected with MSH3-related conditions. Algorithms developed to predict the effect of missense changes on protein structure and function (SIFT, PolyPhen-2, Align-GVGD) all suggest that this variant is likely to be tolerated. In summary, the available evidence is currently insufficient to determine the role of this variant in disease. Therefore, it has been classified as a Variant of Uncertain Significance.

Ambry Genetics
Classification: Uncertain significance for Hereditary cancer-predisposing syndrome. Last evaluated: 2022-06-13. Review status: criteria provided, single submitter. Criteria: Ambry Variant Classification Scheme 2023. Collection method: clinical testing. Allele origin: germline.
Comment: The p.Q148R variant (also known as c.443A>G), located in coding exon 3 of the MSH3 gene, results from an A to G substitution at nucleotide position 443. The glutamine at codon 148 is replaced by arginine, an amino acid with highly similar properties. This amino acid position is conserved. In addition, this alteration is predicted to be tolerated by in silico analysis. Since supporting evidence is limited at this time, the clinical significance of this alteration remains unclear.

NM_002439.5(MSH3):c.443A>G (p.Gln148Arg)

Gene: MSH3 (mutS homolog 3; plus strand). Cytogenetic location: 5q14.1.
Variant type: single nucleotide variant.
Coding change: c.443A>G on transcript NM_002439.5 (MANE Select); coding-DNA position 443, A replaced by G.
Protein change: p.Gln148Arg; replaces glutamine 148 with arginine.
Molecular consequence: missense variant.
Genome position (GRCh38, 1-based): chr5:80,665,227, A>G. VCF-style: chr5-80665227-A-G. GRCh37 (hg19) VCF-style: chr5-79961046-A-G.
Other names: short protein forms Q148R.
Identifiers: ClinVar variation 1740606 (VCV001740606.7), dbSNP rs2546717437, ClinGen allele CA360263440.